The following is an entry in ClinVar:

NM_001040436.3(YARS2):c.1133T>C (p.Ile378Thr)

Gene: YARS2 (tyrosyl-tRNA synthetase 2; minus strand). Cytogenetic location: 12p11.21.
Variant type: single nucleotide variant.
Coding change: c.1133T>C on transcript NM_001040436.3 (MANE Select); coding-DNA position 1133, T replaced by C.
Protein change: p.Ile378Thr; replaces isoleucine 378 with threonine.
Molecular consequence: missense variant.
Genome position (GRCh38, 1-based): chr12:32,750,078, A>G on the plus strand (T>C on the coding strand, the complement: YARS2 is on the minus strand). VCF-style: chr12-32750078-A-G. GRCh37 (hg19) VCF-style: chr12-32903012-A-G.
Other names: short protein forms I378T.
Identifiers: ClinVar variation 1959544 (VCV001959544.5), dbSNP rs2541155787, ClinGen allele CA384370287.
Genomic context (GRCh38, chr12:32,750,078, plus strand): 5'-AATGGAGCTTCTTTAAACAACTCTTTTAACTCCTGATCAGACATGACCTCCAGTGCATCT[A>G]TGCTACTGTGATAAAGGGCTTGTGTACACCTGAAAAACACATTTTAAGAGCTACATCATA-3'
Protein context (NP_001035526.1, residues 368-388): RCTQALYHSS[Ile378Thr]DALEVMSDQE

ClinVar aggregate classification (germline): Uncertain significance (1 of 4 stars; one submission).

gnomAD v4.1: 1 of 1,614,178 alleles (0.000062%); highest among the groups gnomAD compares: Non-Finnish European, 0.000085%; no homozygotes.

Submission:

Labcorp Genetics (formerly Invitae), Labcorp
Classification: Uncertain significance. Last evaluated: 2022-03-14. Review status: criteria provided, single submitter. Criteria: Invitae Variant Classification Sherloc (09022015). Collection method: clinical testing. Allele origin: germline.
Comment: In summary, the available evidence is currently insufficient to determine the role of this variant in disease. Therefore, it has been classified as a Variant of Uncertain Significance. Advanced modeling of protein sequence and biophysical properties (such as structural, functional, and spatial information, amino acid conservation, physicochemical variation, residue mobility, and thermodynamic stability) performed at Invitae indicates that this missense variant is not expected to disrupt YARS2 protein function. This variant has not been reported in the literature in individuals affected with YARS2-related conditions. This variant is not present in population databases (gnomAD no frequency). This sequence change replaces isoleucine, which is neutral and non-polar, with threonine, which is neutral and polar, at codon 378 of the YARS2 protein (p.Ile378Thr).